The following is an entry in ClinVar:

NM_000065.5(C6):c.766A>G (p.Lys256Glu)

Gene: C6 (complement C6; minus strand). Cytogenetic location: 5p13.1.
Variant type: single nucleotide variant.
Coding change: c.766A>G on transcript NM_000065.5 (MANE Select); coding-DNA position 766, A replaced by G.
Protein change: p.Lys256Glu; replaces lysine 256 with glutamic acid.
Molecular consequence: missense variant.
Genome position (GRCh38, 1-based): chr5:41,181,520, T>C on the plus strand (A>G on the coding strand, the complement: C6 is on the minus strand). VCF-style: chr5-41181520-T-C. GRCh37 (hg19) VCF-style: chr5-41181622-T-C.
Other names: c.766A>G, p.Lys256Glu (NM_001115131.4); short protein forms K256E.
Identifiers: ClinVar variation 1506665 (VCV001506665.5), dbSNP rs2150323447, ClinGen allele CA359602176.
Genomic context (GRCh38, chr5:41,181,520, plus strand): 5'-CCCCCTGACTTGAGAATGAGCCTTGTTGATTTTCATTGTGTCCAAGAGAAGTTAAATCCT[T>C]GTAGAAATCTGTTTTCAAGTCATCTTCTGCAGTTTGTACCTGGAGAAAAATCCATGTAAA-3'
Protein context (NP_000056.2, residues 246-266): AEDDLKTDFY[Lys256Glu]DLTSLGHNEN

ClinVar aggregate classification (germline): Uncertain significance (1 of 4 stars; one submission).

Submission:

Labcorp Genetics (formerly Invitae), Labcorp
Classification: Uncertain significance. Last evaluated: 2022-08-15. Review status: criteria provided, single submitter. Criteria: Invitae Variant Classification Sherloc (09022015). Collection method: clinical testing. Allele origin: germline.
Comment: This sequence change replaces lysine, which is basic and polar, with glutamic acid, which is acidic and polar, at codon 256 of the C6 protein (p.Lys256Glu). This variant is not present in population databases (gnomAD no frequency). This variant has not been reported in the literature in individuals affected with C6-related conditions. ClinVar contains an entry for this variant (Variation ID: 1506665). Algorithms developed to predict the effect of missense changes on protein structure and function output the following: SIFT: "Tolerated"; PolyPhen-2: "Benign"; Align-GVGD: "Class C0". The glutamic acid amino acid residue is found in multiple mammalian species, which suggests that this missense change does not adversely affect protein function. In summary, the available evidence is currently insufficient to determine the role of this variant in disease. Therefore, it has been classified as a Variant of Uncertain Significance.